The following is an entry in ClinVar:

ClinVar aggregate classification (germline): Benign (1 of 4 stars; one submission).

Allele frequency attached by ClinVar (database versions not stated): gnomAD 0.19672 and 0.19844; TOPMed 0.20411; 1000 Genomes Project 30x 0.21471; 1000 Genomes Project 0.21546.
gnomAD v4.1: 29,841 of 152,206 alleles (20%); highest among the groups gnomAD compares: African/African-American, 30%; 3,272 homozygotes.

Submission:

GeneDx
Classification: Benign. Last evaluated: 2018-06-14. Review status: criteria provided, single submitter. Criteria: GeneDx Variant Classification (06012015). Collection method: clinical testing. Allele origin: germline. Affected: yes.
Comment: This variant is considered likely benign or benign based on one or more of the following criteria: it is a conservative change, it occurs at a poorly conserved position in the protein, it is predicted to be benign by multiple in silico algorithms, and/or has population frequency not consistent with disease.

NM_004544.4(NDUFA10):c.999+183G>A

Gene: NDUFA10 (NADH:ubiquinone oxidoreductase subunit A10; minus strand). Cytogenetic location: 2q37.3.
Variant type: single nucleotide variant.
Coding change: c.999+183G>A on transcript NM_004544.4 (MANE Select); 183 bases into the intron after coding-DNA position 999, G replaced by A.
Molecular consequence: intron variant.
Genome position (GRCh38, 1-based): chr2:239,989,891, C>T on the plus strand (G>A on the coding strand, the complement: NDUFA10 is on the minus strand). VCF-style: chr2-239989891-C-T. GRCh37 (hg19) VCF-style: chr2-240929308-C-T.
Other names: c.890+15319G>A (NM_001322020.2); c.999+183G>A (NM_001322019.2).
Identifiers: ClinVar variation 669508 (VCV000669508.1), dbSNP rs4149550, ClinGen allele CA15159164.